The following is an entry in ClinVar:

NM_007272.3(CTRC):c.607G>A (p.Ala203Thr)

Gene: CTRC (chymotrypsin C; plus strand). Cytogenetic location: 1p36.21.
Variant type: single nucleotide variant.
Coding change: c.607G>A on transcript NM_007272.3 (MANE Select); coding-DNA position 607, G replaced by A.
Protein change: p.Ala203Thr; replaces alanine 203 with threonine.
Molecular consequence: missense variant.
Genome position (GRCh38, 1-based): chr1:15,444,719, G>A. VCF-style: chr1-15444719-G-A. GRCh37 (hg19) VCF-style: chr1-15771214-G-A.
Other names: short protein forms A203T.
Identifiers: ClinVar variation 459190 (VCV000459190.20), dbSNP rs750408563, ClinGen allele CA613394.
Genomic context (GRCh38, chr1:15,444,719, plus strand): 5'-CACGCCACGTGCTCCAGGATTGACTGGTGGGGCTTCAGGGTGAAGAAAACCATGGTGTGC[G>A]CTGGGGGCGATGGCGTCATCTCAGCCTGCAATGTGAGTGGCTAGGTTCTGCACCTTGTCC-3'
Protein context (NP_009203.2, residues 193-213): GFRVKKTMVC[Ala203Thr]GGDGVISACN

ClinVar aggregate classification (germline): Uncertain significance. Review status: criteria provided, multiple submitters, no conflicts (2 of 4 stars). 5 submissions from 5 submitters: Uncertain significance (5). Last evaluated 2025-05-29.

Conditions:
Hereditary pancreatitis (PCTT). Also called: Hereditary chronic pancreatitis; PRSS1-Related Hereditary Pancreatitis. Identifiers: Orphanet 676, MedGen C0238339, MONDO:0008185, OMIM 167800.

Allele frequency attached by ClinVar (database versions not stated): ExAC 0.00001; gnomAD exomes 0.00001 and 0.00002; gnomAD 0.00002; TOPMed 0.00002.
gnomAD v4.1: 31 of 1,614,110 alleles (0.0019%); highest among the groups gnomAD compares: South Asian, 0.0066%; no homozygotes.

Submissions (5):

Labcorp Genetics (formerly Invitae), Labcorp
Classification: Uncertain significance for Hereditary pancreatitis. Last evaluated: 2025-05-29. Review status: criteria provided, single submitter. Criteria: Invitae Variant Classification Sherloc (09022015). Collection method: clinical testing. Allele origin: germline.
Comment: This sequence change replaces alanine, which is neutral and non-polar, with threonine, which is neutral and polar, at codon 203 of the CTRC protein (p.Ala203Thr). This variant is present in population databases (rs750408563, gnomAD 0.007%). This variant has not been reported in the literature in individuals affected with CTRC-related conditions. ClinVar contains an entry for this variant (Variation ID: 459190). Invitae Evidence Modeling of protein sequence and biophysical properties (such as structural, functional, and spatial information, amino acid conservation, physicochemical variation, residue mobility, and thermodynamic stability) has been performed for this missense variant. However, the output from this modeling did not meet the statistical confidence thresholds required to predict the impact of this variant on CTRC protein function. In summary, the available evidence is currently insufficient to determine the role of this variant in disease. Therefore, it has been classified as a Variant of Uncertain Significance.

Ambry Genetics
Classification: Uncertain significance for Hereditary pancreatitis. Last evaluated: 2024-08-22. Review status: criteria provided, single submitter. Criteria: Ambry Variant Classification Scheme 2023. Collection method: clinical testing. Allele origin: germline.
Comment: The p.A203T variant (also known as c.607G>A), located in coding exon 6 of the CTRC gene, results from a G to A substitution at nucleotide position 607. The alanine at codon 203 is replaced by threonine, an amino acid with similar properties. This amino acid position is highly conserved in available vertebrate species. In addition, this alteration is predicted to be deleterious by in silico analysis. Since supporting evidence is limited at this time, the clinical significance of this alteration remains unclear.

Fulgent Genetics
Classification: Uncertain significance for Hereditary pancreatitis. Last evaluated: 2024-01-17. Review status: criteria provided, single submitter. Criteria: ACMG Guidelines, 2015. Collection method: clinical testing. Allele origin: germline.

MGZ Medical Genetics Center
Classification: Uncertain significance for Hereditary pancreatitis. Last evaluated: 2022-05-20. Review status: criteria provided, single submitter. Criteria: ACMG Guidelines, 2015. Collection method: clinical testing. Allele origin: germline. Affected: yes. Observed: 1 variant allele.
Comment: ACMG criteria applied: PM2_SUP, PP3

ARUP Laboratories, Molecular Genetics and Genomics, ARUP Laboratories
Classification: Uncertain significance. Last evaluated: 2018-02-27. Review status: criteria provided, single submitter. Criteria: ARUP Molecular Germline Variant Investigation Process. Collection method: clinical testing. Allele origin: germline.
Comment: The CTRC c.607G>A; p.Ala203Thr variant (rs750408563), to our knowledge, is not reported in the medical literature but is reported as uncertain in ClinVar (Variation ID: 459190). This variant is found in the general population with a low overall allele frequency of 0.0008% (2/246154 alleles), indicating it is not a common polymorphism. The alanine at codon 203 is highly conserved and computational algorithms (SIFT, PolyPhen2) predict this variant to be deleterious to the protein. However, due to limited information, the clinical significance of p.Ala203Thr is uncertain at this time.